The following is an entry in ClinVar:

NM_018238.4(AGK):c.615A>G (p.Ala205=)

Gene: AGK (acylglycerol kinase; plus strand). Cytogenetic location: 7q34.
Variant type: single nucleotide variant.
Coding change: c.615A>G on transcript NM_018238.4 (MANE Select); coding-DNA position 615, A replaced by G.
Protein change: p.Ala205=; no amino-acid change (alanine 205 retained).
Molecular consequence: synonymous variant.
Genome position (GRCh38, 1-based): chr7:141,633,927, A>G. VCF-style: chr7-141633927-A-G. GRCh37 (hg19) VCF-style: chr7-141333727-A-G.
Other names: c.615A>G, p.Ala205= (NM_001364948.3).
Identifiers: ClinVar variation 1933314 (VCV001933314.5), dbSNP rs1187407081, ClinGen allele CA457985239.

ClinVar aggregate classification (germline): Uncertain significance (1 of 4 stars; one submission).

Conditions:
Cataract 38. Also called: Cataract, autosomal recessive congenital 5; Cataract 38, autosomal recessive. Identifiers: Orphanet 91492, MedGen C3553494, MONDO:0013859, OMIM 614691.
Sengers syndrome. Also called: MITOCHONDRIAL DNA DEPLETION SYNDROME 10 (CARDIOMYOPATHIC TYPE); Cardiomyopathy and cataract. Identifiers: Orphanet 1369, MedGen C1859317, MONDO:0008922, OMIM 212350.

Allele frequency attached by ClinVar (database versions not stated): gnomAD exomes below 0.00001; gnomAD 0.00001.
gnomAD v4.1: 3 of 1,613,978 alleles (0.00019%); highest among the groups gnomAD compares: Admixed American, 0.005%; no homozygotes.

Submission:

Labcorp Genetics (formerly Invitae), Labcorp
Classification: Uncertain significance for Sengers syndrome; Cataract 38. Last evaluated: 2022-07-03. Review status: criteria provided, single submitter. Criteria: Invitae Variant Classification Sherloc (09022015). Collection method: clinical testing. Allele origin: germline.
Comment: In summary, the available evidence is currently insufficient to determine the role of this variant in disease. Therefore, it has been classified as a Variant of Uncertain Significance. Algorithms developed to predict the effect of sequence changes on RNA splicing suggest that this variant may create or strengthen a splice site. This variant has not been reported in the literature in individuals affected with AGK-related conditions. This variant is present in population databases (no rsID available, gnomAD 0.006%). This sequence change affects codon 205 of the AGK mRNA. It is a 'silent' change, meaning that it does not change the encoded amino acid sequence of the AGK protein.